The following is an entry in ClinVar:

ClinVar aggregate classification (germline): Uncertain significance (1 of 4 stars; one submission).

Conditions:
Perlman syndrome (PRLMNS). Identifiers: Orphanet 2849, MedGen C0796113, MONDO:0009965, OMIM 267000.

Submission:

Labcorp Genetics (formerly Invitae), Labcorp
Classification: Uncertain significance for Perlman syndrome. Last evaluated: 2019-10-12. Review status: criteria provided, single submitter. Criteria: Invitae Variant Classification Sherloc (09022015). Collection method: clinical testing. Allele origin: germline.
Comment: This sequence change replaces glutamic acid with alanine at codon 519 of the DIS3L2 protein (p.Glu519Ala). The glutamic acid residue is weakly conserved and there is a moderate physicochemical difference between glutamic acid and alanine. This variant has not been reported in the literature in individuals with DIS3L2-related conditions. Algorithms developed to predict the effect of missense changes on protein structure and function (SIFT, PolyPhen-2, Align-GVGD) all suggest that this variant is likely to be tolerated, but these predictions have not been confirmed by published functional studies and their clinical significance is uncertain. In summary, the available evidence is currently insufficient to determine the role of this variant in disease. Therefore, it has been classified as a Variant of Uncertain Significance. This variant is not present in population databases (ExAC no frequency).

NM_152383.5(DIS3L2):c.1556A>C (p.Glu519Ala)

Gene: DIS3L2 (DIS3 like 3'-5' exoribonuclease 2; plus strand). Cytogenetic location: 2q37.1.
Variant type: single nucleotide variant.
Coding change: c.1556A>C on transcript NM_152383.5 (MANE Select); coding-DNA position 1556, A replaced by C.
Protein change: p.Glu519Ala; replaces glutamic acid 519 with alanine.
Molecular consequence: missense variant. On other transcripts: non-coding transcript variant (2).
Genome position (GRCh38, 1-based): chr2:232,263,337, A>C. VCF-style: chr2-232263337-A-C. GRCh37 (hg19) VCF-style: chr2-233128047-A-C.
Other names: c.1556A>C, p.Glu519Ala (NM_001257281.2); short protein forms E519A.
Identifiers: ClinVar variation 968569 (VCV000968569.9), dbSNP rs1693768999, ClinGen allele CA350975515.